The following is an entry in ClinVar:

ClinVar aggregate classification (germline): Uncertain significance. Review status: criteria provided, multiple submitters, no conflicts (2 of 4 stars). 4 submissions from 4 submitters: Uncertain significance (4). Last evaluated 2024-11-15.

Conditions:
Inborn genetic diseases. Identifiers: MedGen C0950123, MeSH D030342.
RFT1-congenital disorder of glycosylation (CDG1N). Also called: Congenital disorder of glycosylation type In; RFT1-CDG; CDG In. Identifiers: Orphanet 244310, MedGen C2677590, MONDO:0012783, OMIM 612015.

Allele frequency attached by ClinVar (database versions not stated): ExAC 0.00017; gnomAD 0.00017 and 0.00019; TOPMed 0.00018; gnomAD exomes 0.00020 and 0.00030; ESP Exome Variant Server 0.00031.
gnomAD v4.1: 459 of 1,612,546 alleles (0.028%); highest among the groups gnomAD compares: Non-Finnish European, 0.037%; no homozygotes.

Submissions (4):

Blueprint Genetics
Classification: Uncertain significance. Last evaluated: 2024-11-15. Review status: criteria provided, single submitter. Criteria: ACMG Guidelines, 2015. Collection method: clinical testing. Allele origin: germline.

Ambry Genetics
Classification: Uncertain significance for Inborn genetic diseases. Last evaluated: 2022-11-14. Review status: criteria provided, single submitter. Criteria: Ambry Variant Classification Scheme 2023. Collection method: clinical testing. Allele origin: germline.

Labcorp Genetics (formerly Invitae), Labcorp
Classification: Uncertain significance for RFT1-congenital disorder of glycosylation. Last evaluated: 2022-10-14. Review status: criteria provided, single submitter. Criteria: Invitae Variant Classification Sherloc (09022015). Collection method: clinical testing. Allele origin: germline.
Comment: This sequence change replaces serine, which is neutral and polar, with asparagine, which is neutral and polar, at codon 428 of the RFT1 protein (p.Ser428Asn). This variant is present in population databases (rs201230044, gnomAD 0.04%). This variant has not been reported in the literature in individuals affected with RFT1-related conditions. ClinVar contains an entry for this variant (Variation ID: 1187107). Advanced modeling of protein sequence and biophysical properties (such as structural, functional, and spatial information, amino acid conservation, physicochemical variation, residue mobility, and thermodynamic stability) performed at Invitae indicates that this missense variant is expected to disrupt RFT1 protein function. In summary, the available evidence is currently insufficient to determine the role of this variant in disease. Therefore, it has been classified as a Variant of Uncertain Significance.

GeneDx
Classification: Uncertain significance. Last evaluated: 2019-12-05. Review status: criteria provided, single submitter. Criteria: GeneDx Variant Classification Process June 2021. Collection method: clinical testing. Allele origin: germline. Affected: yes.
Comment: In silico analysis, which includes protein predictors and evolutionary conservation, supports that this variant does not alter protein structure/function; Reported in the heterozygous state in a patient with central serous chorioretinopathy who also harbored several variants in other genes (Schellevis et al., 2019); This variant is associated with the following publications: (PMID: 30724488)

NM_052859.4(RFT1):c.1283G>A (p.Ser428Asn)

Gene: RFT1 (RFT1 glycolipid translocator homolog; minus strand). Cytogenetic location: 3p21.1.
Variant type: single nucleotide variant.
Coding change: c.1283G>A on transcript NM_052859.4 (MANE Select); coding-DNA position 1283, G replaced by A.
Protein change: p.Ser428Asn; replaces serine 428 with asparagine.
Molecular consequence: missense variant.
Genome position (GRCh38, 1-based): chr3:53,092,544, C>T on the plus strand (G>A on the coding strand, the complement: RFT1 is on the minus strand). VCF-style: chr3-53092544-C-T. GRCh37 (hg19) VCF-style: chr3-53126560-C-T.
Other names: short protein forms S428N.
Identifiers: ClinVar variation 1187107 (VCV001187107.9), dbSNP rs201230044, ClinGen allele CA2451186.